The following is an entry in ClinVar:

ClinVar aggregate classification (germline): Pathogenic/Likely pathogenic. Review status: criteria provided, multiple submitters, no conflicts (2 of 4 stars). 5 submissions from 5 submitters: Pathogenic (1); Likely pathogenic (4). Last evaluated 2026-03-23.

Conditions:
Tuberous sclerosis syndrome (TSC). Also called: Tuberous Sclerosis Complex; Tuberous sclerosis. Identifiers: Orphanet 805, MedGen C0041341, MONDO:0001734.
Tuberous sclerosis 1 (TSC1). Identifiers: Orphanet 805, MedGen C1854465, MONDO:0008612, OMIM 191100.

Submissions (5):

Institute of Human Genetics, University of Leipzig Medical Center
Classification: Likely pathogenic for Tuberous sclerosis 1. Last evaluated: 2026-03-23. Review status: criteria provided, single submitter. Criteria: ACMG Guidelines, 2015. Collection method: clinical testing. Allele origin: unknown. Inheritance: Autosomal dominant inheritance. Affected: yes.
Comment: Criteria applied: PP4_STR,PM2,PS4_SUP,PP1,PP3

Variantyx, Inc.
Classification: Likely pathogenic for Tuberous sclerosis 1. Last evaluated: 2025-05-05. Review status: criteria provided, single submitter. Criteria: Variantyx Assertion Criteria 2022. Collection method: clinical testing. Allele origin: germline. Inheritance: Autosomal recessive inheritance. Affected: yes.
Comment: This is an intronic variant in the TSC1 gene (OMIM: 605284). Pathogenic variants in this gene have been associated with autosomal dominant tuberous sclerosis 1. This variant has been reported in affected individuals and has been observed to segregate with disease in at least 3 individuals from 1 family (PMID: 25927202) (PS4_Moderate) and is absent from control populations (PM2). Algorithms that predict the potential impact of sequence variants on RNA splicing suggest that this variant may disrupt normal splicing (PP3). Based on the current evidence, this variant is classified as likely pathogenic for autosomal dominant tuberous sclerosis 1.

Labcorp Genetics (formerly Invitae), Labcorp
Classification: Pathogenic for Tuberous sclerosis 1. Last evaluated: 2023-08-03. Review status: criteria provided, single submitter. Criteria: Invitae Variant Classification Sherloc (09022015). Collection method: clinical testing. Allele origin: germline.
Comment: For these reasons, this variant has been classified as Pathogenic. Algorithms developed to predict the effect of sequence changes on RNA splicing suggest that this variant may create or strengthen a splice site. ClinVar contains an entry for this variant (Variation ID: 581656). This variant has been observed in individuals with tuberous sclerosis complex (PMID: 25927202; Invitae). It has also been observed to segregate with disease in related individuals. This variant is not present in population databases (gnomAD no frequency). This sequence change falls in intron 20 of the TSC1 gene. It does not directly change the encoded amino acid sequence of the TSC1 protein.

CeGaT Center for Human Genetics Tuebingen
Classification: Likely pathogenic. Last evaluated: 2021-08-01. Review status: criteria provided, single submitter. Criteria: CeGaT Center For Human Genetics Tuebingen Variant Classification Criteria Version 2. Collection method: clinical testing. Allele origin: germline. Affected: yes. Observed: 1 variant allele.

Department of Pathology and Laboratory Medicine, Sinai Health System
Classification: Likely pathogenic for tuberous sclerosis. Review status: criteria provided, single submitter. Criteria: ACMG Guidelines, 2015. Collection method: clinical testing. Allele origin: germline.

Literature cited by the submitters: PubMed 25927202 (cited by Variantyx, Inc. and Labcorp Genetics (formerly Invitae), Labcorp).

NM_000368.5(TSC1):c.2625+367A>G

Gene: TSC1 (TSC complex subunit 1; minus strand). Cytogenetic location: 9q34.13.
Variant type: single nucleotide variant.
Coding change: c.2625+367A>G on transcript NM_000368.5 (MANE Select); 367 bases into the intron after coding-DNA position 2625, A replaced by G.
Molecular consequence: intron variant.
Genome position (GRCh38, 1-based): chr9:132,900,348, T>C on the plus strand (A>G on the coding strand, the complement: TSC1 is on the minus strand). VCF-style: chr9-132900348-T-C. GRCh37 (hg19) VCF-style: chr9-135775735-T-C.
Other names: c.2262+367A>G (NM_001362177.2); c.2472+367A>G (NM_001162427.2); c.2622+367A>G (NM_001162426.2).
Identifiers: ClinVar variation 581656 (VCV000581656.45), dbSNP rs1564474542, ClinGen allele CA891843350.